The following is an entry in ClinVar:

NM_024598.4(USB1):c.209G>A (p.Arg70Gln)

Gene: USB1 (U6 snRNA biogenesis phosphodiesterase 1; plus strand). Cytogenetic location: 16q21.
Variant type: single nucleotide variant.
Coding change: c.209G>A on transcript NM_024598.4 (MANE Select); coding-DNA position 209, G replaced by A.
Protein change: p.Arg70Gln; replaces arginine 70 with glutamine.
Molecular consequence: missense variant.
Genome position (GRCh38, 1-based): chr16:58,002,589, G>A. VCF-style: chr16-58002589-G-A. GRCh37 (hg19) VCF-style: chr16-58036493-G-A.
Other names: c.209G>A, p.Arg70Gln (NM_001195302.2, NM_001204911.2, NM_001330569.2); c.56G>A, p.Arg19Gln (NM_001330568.2); short protein forms R19Q, R70Q.
Identifiers: ClinVar variation 1013673 (VCV001013673.9), dbSNP rs767016894, ClinGen allele CA8084833.
Genomic context (GRCh38, chr16:58,002,589, plus strand): 5'-TGAACATGTTCCCGGGCACCGAGGAGGGGCCTGAAGATGACAGCACAAAACACGGGGGAC[G>A]GGTGCGCACCTTCCCCCACGAGCGAGGCAACTGGGCCACCCACGTCTATGTACCATGTGA-3'
Protein context (NP_078874.2, residues 60-80): PEDDSTKHGG[Arg70Gln]VRTFPHERGN

ClinVar aggregate classification (germline): Uncertain significance. Review status: criteria provided, multiple submitters, no conflicts (2 of 4 stars). 2 submissions from 2 submitters: Uncertain significance (2). Last evaluated 2021-12-25.

Conditions:
Poikiloderma with neutropenia (PN). Identifiers: Orphanet 221046, MedGen C1858723, MONDO:0011405, OMIM 604173.

Allele frequency attached by ClinVar (database versions not stated): gnomAD below 0.00001 and 0.00002; TOPMed below 0.00001; gnomAD exomes 0.00004; ExAC 0.00005.

Submissions (2):

Labcorp Genetics (formerly Invitae), Labcorp
Classification: Uncertain significance. Last evaluated: 2021-12-25. Review status: criteria provided, single submitter. Criteria: Invitae Variant Classification Sherloc (09022015). Collection method: clinical testing. Allele origin: germline.
Comment: This sequence change replaces arginine, which is basic and polar, with glutamine, which is neutral and polar, at codon 70 of the USB1 protein (p.Arg70Gln). This variant is present in population databases (rs767016894, gnomAD 0.02%). This variant has not been reported in the literature in individuals affected with USB1-related conditions. ClinVar contains an entry for this variant (Variation ID: 1013673). Algorithms developed to predict the effect of missense changes on protein structure and function are either unavailable or do not agree on the potential impact of this missense change (SIFT: "Not Available"; PolyPhen-2: "Probably Damaging"; Align-GVGD: "Not Available"). In summary, the available evidence is currently insufficient to determine the role of this variant in disease. Therefore, it has been classified as a Variant of Uncertain Significance.

Baylor Genetics
Classification: Uncertain significance for Poikiloderma with neutropenia. Last evaluated: 2018-10-12. Review status: criteria provided, single submitter. Criteria: ACMG Guidelines, 2015. Collection method: clinical testing. Allele origin: unknown. Affected: yes.
Comment: This variant was determined to be of uncertain significance according to ACMG Guidelines, 2015 [PMID:25741868].